The following is an entry in ClinVar:

NM_001077365.2(POMT1):c.600A>G (p.Ala200=)

Gene: POMT1 (protein O-mannosyltransferase 1; plus strand). Cytogenetic location: 9q34.13.
Variant type: single nucleotide variant.
Coding change: c.600A>G on transcript NM_001077365.2 (MANE Select); coding-DNA position 600, A replaced by G.
Protein change: p.Ala200=; no amino-acid change (alanine 200 retained).
Molecular consequence: synonymous variant. On other transcripts: non-coding transcript variant (10).
Genome position (GRCh38, 1-based): chr9:131,509,803, A>G. VCF-style: chr9-131509803-A-G. GRCh37 (hg19) VCF-style: chr9-134385190-A-G.
Other names: c.438A>G, p.Ala146= (NM_001077366.2, NM_001353194.2, NM_001353197.2 and 3 more transcripts); c.600A>G, p.Ala200= (NM_001136113.2, NM_001353193.2, NM_001374690.1 and 1 more transcripts); c.249A>G, p.Ala83= (NM_001136114.2, NM_001353195.2, NM_001353199.2 and 2 more transcripts); c.510A>G, p.Ala170= (NM_001353196.2); c.144A>G, p.Ala48= (NM_001353200.2, NM_001374695.1).
Identifiers: ClinVar variation 704790 (VCV000704790.9), dbSNP rs755854450, ClinGen allele CA5293332.

ClinVar aggregate classification (germline): Likely benign. Review status: criteria provided, multiple submitters, no conflicts (2 of 4 stars). 2 submissions from 2 submitters: Likely benign (2). Last evaluated 2026-10-01.

Conditions:
Muscular dystrophy-dystroglycanopathy (congenital with impaired intellectual development), type B, 1. Also called: Muscular dystrophy-dystroglycanopathy (congenital with intellectual disability), type B1; MUSCULAR DYSTROPHY, CONGENITAL, POMT1-RELATED. Identifiers: MedGen C5436962, MONDO:0013159, OMIM 613155.
Autosomal recessive limb-girdle muscular dystrophy type 2K. Also called: MUSCULAR DYSTROPHY, LIMB-GIRDLE, TYPE 2K; MUSCULAR DYSTROPHY-DYSTROGLYCANOPATHY (LIMB-GIRDLE), TYPE C, 1. Identifiers: Orphanet 86812, MedGen C1836373, MONDO:0012248, OMIM 609308.
Walker-Warburg congenital muscular dystrophy. Also called: Muscular dystrophy-dystroglycanopathy, type A; Walker-Warburg syndrome. Identifiers: Orphanet 899, MedGen C0265221, MONDO:0000171.

Allele frequency attached by ClinVar (database versions not stated): gnomAD 0.00001 and 0.00003; gnomAD exomes 0.00001; TOPMed 0.00001; ExAC 0.00001.
gnomAD v4.1: 16 of 1,614,022 alleles (0.00099%); highest among the groups gnomAD compares: Admixed American, 0.0033%; no homozygotes.

Submissions (2):

CeGaT Center for Human Genetics Tuebingen
Classification: Likely benign. Last evaluated: 2026-10-01. Review status: criteria provided, single submitter. Criteria: CeGaT Center For Human Genetics Tuebingen Variant Classification Criteria Version 2. Collection method: clinical testing. Allele origin: germline. Affected: yes. Observed: 1 variant allele.
Comment: POMT1: BP4, BP7

Labcorp Genetics (formerly Invitae), Labcorp
Classification: Likely benign for Muscular dystrophy-dystroglycanopathy (congenital with impaired intellectual development), type B, 1; Walker-Warburg congenital muscular dystrophy; Autosomal recessive limb-girdle muscular dystrophy type 2K. Last evaluated: 2025-04-17. Review status: criteria provided, single submitter. Criteria: Invitae Variant Classification Sherloc (09022015). Collection method: clinical testing. Allele origin: germline.